The following is an entry in ClinVar:

ClinVar aggregate classification (germline): Uncertain significance (1 of 4 stars; one submission).

Submission:

GeneDx
Classification: Uncertain significance. Last evaluated: 2022-11-03. Review status: criteria provided, single submitter. Criteria: GeneDx Variant Classification Process June 2021. Collection method: clinical testing. Allele origin: germline. Affected: yes.
Comment: Not observed at significant frequency in large population cohorts (gnomAD); In silico analysis supports that this missense variant does not alter protein structure/function; Has not been previously published as pathogenic or benign to our knowledge

NM_015330.6(SPECC1L):c.1045T>C (p.Cys349Arg)

Genes: SPECC1L (sperm antigen with calponin homology and coiled-coil domains 1 like; plus strand), SPECC1L-ADORA2A (SPECC1L-ADORA2A readthrough (NMD candidate); plus strand). Cytogenetic location: 22q11.23.
Variant type: single nucleotide variant.
Coding change: c.1045T>C on transcript NM_015330.6 (MANE Select); coding-DNA position 1045, T replaced by C.
Protein change: p.Cys349Arg; replaces cysteine 349 with arginine.
Molecular consequence: missense variant. On other transcripts: non-coding transcript variant (1).
Genome position (GRCh38, 1-based): chr22:24,322,025, T>C. VCF-style: chr22-24322025-T-C. GRCh37 (hg19) VCF-style: chr22-24717993-T-C.
Other names: c.1045T>C, p.Cys349Arg (NM_001145468.4, NM_001254732.3); short protein forms C349R.
Identifiers: ClinVar variation 2501317 (VCV002501317.1), dbSNP rs2517652031, ClinGen allele CA410967076.